The following is an entry in ClinVar:

ClinVar aggregate classification (germline): Pathogenic (1 of 4 stars; one submission).

Allele frequency attached by ClinVar (database versions not stated): gnomAD 0.00001.
gnomAD v4.1: 1 of 1,605,738 alleles (0.000062%); highest among the groups gnomAD compares: Admixed American, 0.0017%; no homozygotes.

Submission:

Labcorp Genetics (formerly Invitae), Labcorp
Classification: Pathogenic. Last evaluated: 2023-12-18. Review status: criteria provided, single submitter. Criteria: Invitae Variant Classification Sherloc (09022015). Collection method: clinical testing. Allele origin: germline.
Comment: This sequence change creates a premature translational stop signal (p.Gln607*) in the IMPG1 gene. It is expected to result in an absent or disrupted protein product. Loss-of-function variants in IMPG1 are known to be pathogenic (PMID: 23993198). This variant is not present in population databases (gnomAD no frequency). This variant has not been reported in the literature in individuals affected with IMPG1-related conditions. For these reasons, this variant has been classified as Pathogenic.

Literature cited by the submitters: PubMed 23993198.

NM_001563.4(IMPG1):c.1819C>T (p.Gln607Ter)

Gene: IMPG1 (interphotoreceptor matrix proteoglycan 1; minus strand). Cytogenetic location: 6q14.1.
Variant type: single nucleotide variant.
Coding change: c.1819C>T on transcript NM_001563.4 (MANE Select); coding-DNA position 1819, C replaced by T.
Protein change: p.Gln607Ter; replaces glutamine 607 with a stop codon.
Molecular consequence: nonsense.
Genome position (GRCh38, 1-based): chr6:75,950,567, G>A on the plus strand (C>T on the coding strand, the complement: IMPG1 is on the minus strand). VCF-style: chr6-75950567-G-A. GRCh37 (hg19) VCF-style: chr6-76660284-G-A.
Other names: c.1585C>T, p.Gln529Ter (NM_001282368.2); short protein forms Q607*, Q529*.
Identifiers: ClinVar variation 2703960 (VCV002703960.3), dbSNP rs1782005506, ClinGen allele CA364776411.